The following is an entry in ClinVar:

NM_017491.5(WDR1):c.1196+4A>T

Gene: WDR1 (WD repeat domain 1; minus strand). Cytogenetic location: 4p16.1.
Variant type: single nucleotide variant.
Coding change: c.1196+4A>T on transcript NM_017491.5 (MANE Select); 4 bases into the intron after coding-DNA position 1196, A replaced by T.
Molecular consequence: intron variant.
Genome position (GRCh38, 1-based): chr4:10,083,018, T>A on the plus strand (A>T on the coding strand, the complement: WDR1 is on the minus strand). VCF-style: chr4-10083018-T-A. GRCh37 (hg19) VCF-style: chr4-10084642-T-A.
Other names: c.776+4A>T (NM_005112.5).
Identifiers: ClinVar variation 1996970 (VCV001996970.4), dbSNP rs1233360477, ClinGen allele CA549711306.

ClinVar aggregate classification (germline): Uncertain significance (1 of 4 stars; one submission).

Allele frequency attached by ClinVar (database versions not stated): gnomAD exomes below 0.00001; gnomAD 0.00002; TOPMed 0.00003.
gnomAD v4.1: 5 of 1,608,058 alleles (0.00031%); highest among the groups gnomAD compares: Admixed American, 0.0084%; no homozygotes.

Submission:

Labcorp Genetics (formerly Invitae), Labcorp
Classification: Uncertain significance. Last evaluated: 2022-05-20. Review status: criteria provided, single submitter. Criteria: Invitae Variant Classification Sherloc (09022015). Collection method: clinical testing. Allele origin: germline.
Comment: In summary, the available evidence is currently insufficient to determine the role of this variant in disease. Therefore, it has been classified as a Variant of Uncertain Significance. This sequence change falls in intron 10 of the WDR1 gene. It does not directly change the encoded amino acid sequence of the WDR1 protein. It affects a nucleotide within the consensus splice site. This variant is present in population databases (no rsID available, gnomAD 0.006%). This variant has not been reported in the literature in individuals affected with WDR1-related conditions. Variants that disrupt the consensus splice site are a relatively common cause of aberrant splicing (PMID: 17576681, 9536098). Algorithms developed to predict the effect of sequence changes on RNA splicing suggest that this variant may create or strengthen a splice site.

Literature cited by the submitters: PubMed 17576681; PubMed 9536098.